The following is an entry in ClinVar:

NM_004519.4(KCNQ3):c.2317C>T (p.Arg773Ter)

Gene: KCNQ3 (potassium voltage-gated channel subfamily Q member 3; minus strand). Cytogenetic location: 8q24.22.
Variant type: single nucleotide variant.
Coding change: c.2317C>T on transcript NM_004519.4 (MANE Select); coding-DNA position 2317, C replaced by T.
Protein change: p.Arg773Ter; replaces arginine 773 with a stop codon.
Molecular consequence: nonsense.
Genome position (GRCh38, 1-based): chr8:132,129,564, G>A on the plus strand (C>T on the coding strand, the complement: KCNQ3 is on the minus strand). VCF-style: chr8-132129564-G-A. GRCh37 (hg19) VCF-style: chr8-133141811-G-A.
Other names: c.1957C>T, p.Arg653Ter (NM_001204824.2); short protein forms R653*, R773*.
Identifiers: ClinVar variation 2507234 (VCV002507234.2), dbSNP rs2536857359, ClinGen allele CA372216146.
Genomic context (GRCh38, chr8:132,129,564, plus strand): 5'-TCAGGGACAGAGGTGTGTCACTGTCTCGCGTGATGCTACGTCTCTGCCGGGGGGAGATTC[G>A]GTCCGAGTAGGGGCCCTGCAGGTCAGCCTGGGAGTGGCAGCTCACTCGGGAGTCGAGAAG-3'

ClinVar aggregate classification (germline): Uncertain significance (1 of 4 stars; one submission).

gnomAD v4.1: 1 of 1,614,178 alleles (0.000062%); highest among the groups gnomAD compares: Non-Finnish European, 0.000085%; no homozygotes.

Submission:

GeneDx
Classification: Uncertain significance. Last evaluated: 2025-08-12. Review status: criteria provided, single submitter. Criteria: GeneDx Variant Classification Process June 2021. Collection method: clinical testing. Allele origin: germline. Affected: yes.
Comment: Nonsense variant predicted to result in protein truncation as the last 100 amino acids are lost; Not observed at significant frequency in large population cohorts (gnomAD); Has not been previously published as pathogenic or benign to our knowledge